The following is an entry in ClinVar:

ClinVar aggregate classification (germline): Likely benign (1 of 4 stars; one submission).

Allele frequency attached by ClinVar (database versions not stated): 1000 Genomes Project 0.00280; 1000 Genomes Project 30x 0.00281; ExAC 0.00300; ESP Exome Variant Server 0.00423; gnomAD 0.00432; TOPMed 0.00514.
gnomAD v4.1: 7,283 of 1,614,040 alleles (0.45%); highest among the groups gnomAD compares: Admixed American, 0.66%; 34 homozygotes.

Submission:

CeGaT Center for Human Genetics Tuebingen
Classification: Likely benign. Last evaluated: 2022-11-01. Review status: criteria provided, single submitter. Criteria: CeGaT Center For Human Genetics Tuebingen Variant Classification Criteria Version 2. Collection method: clinical testing. Allele origin: germline. Affected: yes. Observed: 1 variant allele.
Comment: OR52R1: BP4, BP7, BS2

NM_001005177.3(OR52R1):c.84G>A (p.Leu28=)

Genes: MMP26 (matrix metallopeptidase 26; plus strand), OR52R1 (olfactory receptor family 52 subfamily R member 1; minus strand). Cytogenetic location: 11p15.4.
Variant type: single nucleotide variant.
Coding change: c.84G>A on transcript NM_001005177.3 (MANE Select); coding-DNA position 84, G replaced by A.
Protein change: p.Leu28=; no amino-acid change (leucine 28 retained).
Molecular consequence: synonymous variant. On other transcripts: intron variant (2).
Genome position (GRCh38, 1-based): chr11:4,804,297, C>T on the plus strand (G>A on the coding strand, the complement: OR52R1 is on the minus strand). VCF-style: chr11-4804297-C-T. GRCh37 (hg19) VCF-style: chr11-4825527-C-T.
Other names: c.-145+36956C>T (NM_021801.5); c.-153+36956C>T (NM_001384608.1).
Identifiers: ClinVar variation 2641534 (VCV002641534.24), dbSNP rs117852117, ClinGen allele CA5835558.